The following is an entry in ClinVar:

ClinVar aggregate classification (germline): Pathogenic (1 of 4 stars; one submission).

Conditions:
Neurofibromatosis, type 1 (NF1). Also called: VON RECKLINGHAUSEN DISEASE; Neurofibromatosis, type I; NEUROFIBROMATOSIS, TYPE I, SOMATIC; Peripheral type neurofibromatosis. Identifiers: Orphanet 636, MedGen C0027831, MONDO:0018975, OMIM 162200. Disease mechanism: loss of function.

Submission:

Labcorp Genetics (formerly Invitae), Labcorp
Classification: Pathogenic for Neurofibromatosis, type 1. Last evaluated: 2021-03-29. Review status: criteria provided, single submitter. Criteria: Invitae Variant Classification Sherloc (09022015). Collection method: clinical testing. Allele origin: germline.
Comment: For these reasons, this variant has been classified as Pathogenic. This variant has not been reported in the literature in individuals with NF1-related conditions. This variant is not present in population databases (ExAC no frequency). This sequence change creates a premature translational stop signal (p.Lys449Serfs*20) in the NF1 gene. It is expected to result in an absent or disrupted protein product. Loss-of-function variants in NF1 are known to be pathogenic (PMID: 10712197, 23913538).

Literature cited by the submitters: PubMed 10712197; PubMed 23913538.

NM_001042492.3(NF1):c.1346_1347del (p.Lys449fs)

Gene: NF1 (neurofibromin 1; plus strand). Cytogenetic location: 17q11.2.
Variant type: Deletion.
Coding change: c.1346_1347del on transcript NM_001042492.3 (MANE Select); coding-DNA positions 1346 to 1347, 2 bases deleted (AA; older notation c.1346_1347delAA).
Protein change: p.Lys449fs; shifts the reading frame from lysine 449.
Molecular consequence: frameshift variant.
Genome position (GRCh38, 1-based): chr17:31,206,325-31,206,326, AA deleted; deleting any 2 consecutive bases within chr17:31,206,324-31,206,326 gives the same sequence; the c. name uses the placement nearest the transcript's 3' end. VCF-style (leftmost placement, unchanged base first): chr17-31206323-TAA-T. GRCh37 (hg19) VCF-style: chr17-29533341-TAA-T.
Other names: c.1346_1347delAA, p.Lys449Serfs (NM_000267.4); c.1346_1347del, p.Lys449fs (NM_001128147.3); short protein forms K449fs.
Identifiers: ClinVar variation 1391471 (VCV001391471.6), dbSNP rs2066621144, ClinGen allele CA2573153615.
Genomic context (GRCh38, chr17:31,206,323, plus strand): 5'-GATTGATGCTGTGTATTGTCACTCGGTTGAACTTCGAAATATGTTTGGTGAAACACTTCA[TAA>T]AGCAGTGCAAGGTTGTGGAGCACACCCAGCAATACGAATGGCACCGGTAAGATAAATCAC-3'